The following is an entry in ClinVar:

NM_001135649.3(FOXI3):c.1070C>T (p.Ser357Phe)

Gene: FOXI3 (forkhead box I3; minus strand). Cytogenetic location: 2p11.2.
Variant type: single nucleotide variant.
Coding change: c.1070C>T on transcript NM_001135649.3 (MANE Select); coding-DNA position 1070, C replaced by T.
Protein change: p.Ser357Phe; replaces serine 357 with phenylalanine.
Molecular consequence: missense variant.
Genome position (GRCh38, 1-based): chr2:88,448,400, G>A on the plus strand (C>T on the coding strand, the complement: FOXI3 is on the minus strand). VCF-style: chr2-88448400-G-A. GRCh37 (hg19) VCF-style: chr2-88747919-G-A.
Other names: short protein forms S357F.
Identifiers: ClinVar variation 1713774 (VCV001713774.5), dbSNP rs1445926080, ClinGen allele CA347764658.

ClinVar aggregate classification (germline): Uncertain significance (1 of 4 stars; one submission).

Submission:

Labcorp Genetics (formerly Invitae), Labcorp
Classification: Uncertain significance. Last evaluated: 2022-07-25. Review status: criteria provided, single submitter. Criteria: Invitae Variant Classification Sherloc (09022015). Collection method: clinical testing. Allele origin: germline.
Comment: This sequence change replaces serine, which is neutral and polar, with phenylalanine, which is neutral and non-polar, at codon 357 of the FOXI3 protein (p.Ser357Phe). In summary, the available evidence is currently insufficient to determine the role of this variant in disease. Therefore, it has been classified as a Variant of Uncertain Significance. Experimental studies and prediction algorithms are not available or were not evaluated, and the functional significance of this variant is currently unknown. This variant has not been reported in the literature in individuals affected with FOXI3-related conditions. This variant is not present in population databases (gnomAD no frequency).